The following is an entry in ClinVar:

NM_020812.4(DOCK6):c.214C>T (p.Leu72Phe)

Gene: DOCK6 (dedicator of cytokinesis 6; minus strand). Cytogenetic location: 19p13.2.
Variant type: single nucleotide variant.
Coding change: c.214C>T on transcript NM_020812.4 (MANE Select); coding-DNA position 214, C replaced by T.
Protein change: p.Leu72Phe; replaces leucine 72 with phenylalanine.
Molecular consequence: missense variant.
Genome position (GRCh38, 1-based): chr19:11,252,877, G>A on the plus strand (C>T on the coding strand, the complement: DOCK6 is on the minus strand). VCF-style: chr19-11252877-G-A. GRCh37 (hg19) VCF-style: chr19-11363553-G-A.
Other names: c.214C>T, p.Leu72Phe (NM_001367830.1); short protein forms L72F.
Identifiers: ClinVar variation 1994823 (VCV001994823.4), dbSNP rs1674210643, ClinGen allele CA404118578.

ClinVar aggregate classification (germline): Uncertain significance (1 of 4 stars; one submission).

Allele frequency attached by ClinVar (database versions not stated): TOPMed below 0.00001.

Submission:

Labcorp Genetics (formerly Invitae), Labcorp
Classification: Uncertain significance. Last evaluated: 2023-10-13. Review status: criteria provided, single submitter. Criteria: Invitae Variant Classification Sherloc (09022015). Collection method: clinical testing. Allele origin: germline.
Comment: This sequence change replaces leucine, which is neutral and non-polar, with phenylalanine, which is neutral and non-polar, at codon 72 of the DOCK6 protein (p.Leu72Phe). This variant is not present in population databases (gnomAD no frequency). This variant has not been reported in the literature in individuals affected with DOCK6-related conditions. ClinVar contains an entry for this variant (Variation ID: 1994823). Advanced modeling of protein sequence and biophysical properties (such as structural, functional, and spatial information, amino acid conservation, physicochemical variation, residue mobility, and thermodynamic stability) performed at Invitae indicates that this missense variant is not expected to disrupt DOCK6 protein function. In summary, the available evidence is currently insufficient to determine the role of this variant in disease. Therefore, it has been classified as a Variant of Uncertain Significance.